The following is an entry in ClinVar:

NM_020163.3(SEMA3G):c.254A>G (p.Gln85Arg)

Gene: SEMA3G (semaphorin 3G; minus strand). Cytogenetic location: 3p21.1.
Variant type: single nucleotide variant.
Coding change: c.254A>G on transcript NM_020163.3 (MANE Select); coding-DNA position 254, A replaced by G.
Protein change: p.Gln85Arg; replaces glutamine 85 with arginine.
Molecular consequence: missense variant.
Genome position (GRCh38, 1-based): chr3:52,442,769, T>C on the plus strand (A>G on the coding strand, the complement: SEMA3G is on the minus strand). VCF-style: chr3-52442769-T-C. GRCh37 (hg19) VCF-style: chr3-52476785-T-C.
Other names: short protein forms Q85R.
Identifiers: ClinVar variation 4982217 (VCV004982217.1).

ClinVar aggregate classification (germline): Uncertain significance (1 of 4 stars; one submission).

Conditions:
SEMA3G-related disorder. Also called: SEMA3G-related condition.

Submission:

PreventionGenetics, part of Exact Sciences
Classification: Uncertain significance for SEMA3G-related condition. Last evaluated: 2025-11-17. Review status: criteria provided, single submitter. Criteria: ACMG Guidelines, 2015. Collection method: clinical testing. Allele origin: germline.
Comment: The SEMA3G c.254A>G variant is predicted to result in the amino acid substitution p.Gln85Arg. To our knowledge, this variant has not been reported in the literature or in a large population database, indicating this variant is rare. At this time, the clinical significance of this variant is uncertain due to the absence of conclusive functional and genetic evidence.